The following is an entry in ClinVar:

ClinVar aggregate classification (germline): Uncertain significance (1 of 4 stars; one submission).

Submission:

GeneDx
Classification: Uncertain significance. Last evaluated: 2024-02-22. Review status: criteria provided, single submitter. Criteria: GeneDx Variant Classification Process June 2021. Collection method: clinical testing. Allele origin: germline. Affected: yes.
Comment: Not observed at significant frequency in large population cohorts (gnomAD); In-frame deletion of one amino acid in a non-repeat region; In silico analysis supports a deleterious effect on protein structure/function; Has not been previously published as pathogenic or benign to our knowledge

NM_022336.4(EDAR):c.1044_1046del (p.Pro349del)

Genes: EDAR (ectodysplasin A receptor; minus strand), RANBP2 (RAN binding protein 2; plus strand). Cytogenetic location: 2q13.
Variant type: Deletion.
Coding change: c.1044_1046del on transcript NM_022336.4 (MANE Select); coding-DNA positions 1044 to 1046, 3 bases deleted (GCC; older notation c.1044_1046delGCC).
Protein change: p.Pro349del; deletes proline 349.
Molecular consequence: inframe deletion.
Genome position (GRCh38, 1-based): chr2:108,897,208-108,897,210, GGC deleted on the plus strand (GCC on the coding strand, the reverse complement: EDAR is on the minus strand). VCF-style (leftmost placement, unchanged base first): chr2-108897207-TGGC-T. GRCh37 (hg19) VCF-style: chr2-109513663-TGGC-T.
Other names: short protein forms P349del.
Identifiers: ClinVar variation 3369521 (VCV003369521.1).
Genomic context (GRCh38, chr2:108,897,207, plus strand): 5'-AGCCTTCTCAGAGTTGTACGTGGAGCTGAGCATTCGGCTAGTCTTCTCGAGGCAATCAAA[TGGC>T]AGCTCCGTGGGGCTAAGACCTACAGACACCAATGGCCACAGTTAGATGTTGCAAGTCACA-3'